The following is an entry in ClinVar:

NM_007294.4(BRCA1):c.102T>A (p.Pro34=)

Gene: BRCA1 (BRCA1 DNA repair associated; minus strand). Cytogenetic location: 17q21.31.
Variant type: single nucleotide variant.
Coding change: c.102T>A on transcript NM_007294.4 (MANE Select); coding-DNA position 102, T replaced by A.
Protein change: p.Pro34=; no amino-acid change (proline 34 retained).
Molecular consequence: synonymous variant. On other transcripts: 5 prime UTR variant (132), intron variant (41).
Genome position (GRCh38, 1-based): chr17:43,115,758, A>T on the plus strand (T>A on the coding strand, the complement: BRCA1 is on the minus strand). VCF-style: chr17-43115758-A-T. GRCh37 (hg19) VCF-style: chr17-41267775-A-T.
Other names: c.102T>A, p.Pro34= (NM_001407648.1, NM_001407649.1, NM_001407652.1 and 192 more transcripts); c.-156T>A (NM_001407694.1, NM_001407696.1, NM_001407724.1 and 13 more transcripts); c.-160T>A (NM_001407695.1, NM_001408465.1); c.-40T>A (NM_001407697.1, NM_001407725.1, NM_001407728.1 and 47 more transcripts); c.-36T>A (NM_001407841.1); c.-87T>A (NM_001407853.1, NM_001407879.1, NM_001407882.1 and 52 more transcripts); c.-203T>A (NM_001407889.1, NM_001407900.1, NM_001408492.1); c.-202T>A (NM_001407960.1, NM_001407962.1, NM_001408510.1 and 1 more transcripts); and 10 more.
Identifiers: ClinVar variation 867487 (VCV000867487.3), dbSNP rs1555599260, ClinGen allele CA500130053.

Conditions:
Breast-ovarian cancer, familial, susceptibility to, 1 (BROVCA1). Also called: BRCA1 Hereditary Breast and Ovarian Cancer; OVARIAN CANCER, SUSCEPTIBILITY TO. Identifiers: Orphanet 145, MedGen C2676676, MONDO:0011450, OMIM 604370. Disease mechanism: loss of function.

Submission:

Brotman Baty Institute, University of Washington
No classification provided (evidence only). Condition: Breast-ovarian cancer, familial 1. Review status: no classification provided. Collection method: in vitro. Allele origin: not applicable. Functional consequence: functionally_normal.
ClinVar note: "not provided" was previously submitted as the classification for the variant. However, the classification appeared to be based only on an observation of functional data so it was converted to no classification on 2025-07-30.